The following is an entry in ClinVar:

ClinVar aggregate classification (germline): Uncertain significance (1 of 4 stars; one submission).

Conditions:
Neuronal ceroid lipofuscinosis. Also called: Neuronal Ceroid Lipofuscinoses. Identifiers: Orphanet 216, Orphanet 79263, MedGen C0027877, MONDO:0016295. Disease mechanism: loss of function.

Allele frequency attached by ClinVar (database versions not stated): gnomAD 0.00001.

Submission:

Labcorp Genetics (formerly Invitae), Labcorp
Classification: Uncertain significance for Neuronal ceroid lipofuscinosis. Last evaluated: 2020-07-24. Review status: criteria provided, single submitter. Criteria: Invitae Variant Classification Sherloc (09022015). Collection method: clinical testing. Allele origin: germline.
Comment: In summary, the available evidence is currently insufficient to determine the role of this variant in disease. Therefore, it has been classified as a Variant of Uncertain Significance. Algorithms developed to predict the effect of missense changes on protein structure and function are either unavailable or do not agree on the potential impact of this missense change (SIFT: "Deleterious"; PolyPhen-2: "Possibly Damaging"; Align-GVGD: "Class C0"). This variant has not been reported in the literature in individuals with CLN5-related conditions. This variant is not present in population databases (ExAC no frequency). This sequence change replaces alanine with aspartic acid at codon 27 of the CLN5 protein (p.Ala27Asp). The alanine residue is weakly conserved and there is a moderate physicochemical difference between alanine and aspartic acid.

NC_000013.11:g.76992031C>A

Gene: CLN5 (CLN5 lysosomal BMP synthase; plus strand). Cytogenetic location: 13q22.3.
Variant type: single nucleotide variant.
Genome position: GRCh38 VCF-style: chr13-76992031-C-A. GRCh37 (hg19) VCF-style: chr13-77566166-C-A.
Identifiers: ClinVar variation 1064333 (VCV001064333.9), dbSNP rs1168645936, ClinGen allele CA388305907.